The following is an entry in ClinVar:

ClinVar aggregate classification (germline): Uncertain significance. Review status: criteria provided, multiple submitters, no conflicts (2 of 4 stars). 4 submissions from 4 submitters: Uncertain significance (3). 1 of the submissions does not count toward it. Last evaluated 2025-11-22.

Conditions:
Hereditary cancer-predisposing syndrome. Also called: Hereditary neoplastic syndrome; Neoplastic Syndromes, Hereditary; Hereditary Cancer Syndrome; Tumor predisposition. Identifiers: Orphanet 140162, MedGen C0027672, MeSH D009386, MONDO:0015356.
Familial cancer of breast. Also called: BREAST CANCER, FAMILIAL; Hereditary breast cancer; hereditary breast carcinoma. Identifiers: Orphanet 227535, MedGen C0346153, MONDO:0016419, OMIM 114480. Disease mechanism: loss of function.

Submissions (4):

Labcorp Genetics (formerly Invitae), Labcorp
Classification: Uncertain significance for Familial cancer of breast. Last evaluated: 2025-11-22. Review status: criteria provided, single submitter. Criteria: Invitae Variant Classification Sherloc (09022015). Collection method: clinical testing. Allele origin: germline.
Comment: This variant, c.2966_2968del, results in the deletion of 1 amino acid(s) of the PALB2 protein (p.Val989del), but otherwise preserves the integrity of the reading frame. This variant is not present in population databases (gnomAD no frequency). This variant has been observed in individual(s) with breast cancer (PMID: 30287823). ClinVar contains an entry for this variant (Variation ID: 530214). Experimental studies and prediction algorithms are not available or were not evaluated, and the functional significance of this variant is currently unknown. In summary, the available evidence is currently insufficient to determine the role of this variant in disease. Therefore, it has been classified as a Variant of Uncertain Significance.

Ambry Genetics
Classification: Uncertain significance for Hereditary cancer-predisposing syndrome. Last evaluated: 2024-03-19. Review status: criteria provided, single submitter. Criteria: Ambry Variant Classification Scheme 2023. Collection method: clinical testing. Allele origin: germline.
Comment: The c.2966_2968delTAG variant (also known as p.V989del) is located in coding exon 9 of the PALB2 gene. This variant results from an in-frame TAG deletion at nucleotide positions 2966 to 2968. This results in the in-frame deletion of a valine at codon 989. This alteration was observed with an allele frequency of 0.00014 in 7,051 unselected female breast cancer patients and was observed with an allele frequency of 0 in 11,241 female controls of Japanese ancestry (Momozawa Y et al. Nat Commun, 2018 Oct;9:4083). This amino acid position is well conserved in available vertebrate species. Based on the available evidence, the clinical significance of this alteration remains unclear.

Women's Health and Genetics/Laboratory Corporation of America, LabCorp
Classification: Uncertain significance. Last evaluated: 2024-01-02. Review status: criteria provided, single submitter. Criteria: LabCorp Variant Classification Summary - May 2015. Collection method: clinical testing. Allele origin: germline.
Comment: Variant summary: PALB2 c.2966_2968delTAG (p.Val989del) results in an in-frame deletion that is predicted to remove one amino acids from the encoded protein. The variant was absent in 251468 control chromosomes. The available data on variant occurrences in the general population are insufficient to allow any conclusion about variant significance. To our knowledge, no occurrence of c.2966_2968delTAG in individuals affected with Hereditary Breast And Ovarian Cancer Syndrome and no experimental evidence demonstrating its impact on protein function have been reported. Two submitters have cited clinical-significance assessments for this variant to ClinVar after 2014. All submitters classified the variant as uncertain significance. Based on the evidence outlined above, the variant was classified as uncertain significance.

Leiden Open Variation Database
Classification: Uncertain significance. Last evaluated: 2018-10-10. Review status: no assertion criteria provided. Collection method: curation. Allele origin: germline. Affected: yes. Not counted in ClinVar's aggregate classification.
Comment: Curators: Marc Tischkowitz, Arleen D. Auerbach. Submitter to LOVD: Yukihide Momozawa.

Literature cited by the submitters: PubMed 30287823 (cited by 3 submitters).

NM_024675.4(PALB2):c.2966_2968del (p.Val989del)

Gene: PALB2 (partner and localizer of BRCA2; minus strand). Cytogenetic location: 16p12.2.
Variant type: Deletion.
Coding change: c.2966_2968del on transcript NM_024675.4 (MANE Select); coding-DNA positions 2966 to 2968, 3 bases deleted (TAG; older notation c.2966_2968delTAG).
Protein change: p.Val989del; deletes valine 989.
Molecular consequence: inframe deletion.
Genome position (GRCh38, 1-based): chr16:23,622,997-23,622,999, CTA deleted on the plus strand (TAG on the coding strand, the reverse complement: PALB2 is on the minus strand); deleting any 3 consecutive bases within chr16:23,622,997-23,623,001 gives the same sequence; the c. name uses the placement nearest the transcript's 3' end. VCF-style (leftmost placement, unchanged base first): chr16-23622996-TCTA-T. GRCh37 (hg19) VCF-style: chr16-23634317-TCTA-T.
Other names: NM_024675.3:c.2966_2968del; c.2966_2968delTAG (NM_024675.4, NM_024675.3); short protein forms V989del.
Identifiers: ClinVar variation 530214 (VCV000530214.12), dbSNP rs1555459526, ClinGen allele CA658798560.